The following is an entry in ClinVar:

ClinVar aggregate classification (germline): Uncertain significance (1 of 4 stars; one submission).

Conditions:
Ellis-van Creveld syndrome (EVC). Also called: Chondroectodermal dysplasia; MESOECTODERMAL DYSPLASIA. Identifiers: Orphanet 289, MedGen C0013903, MONDO:0009162, OMIM 225500.

Submission:

Myriad Genetics, Inc.
Classification: Uncertain significance for Ellis-van Creveld syndrome. Last evaluated: 2025-10-28. Review status: criteria provided, single submitter. Criteria: Myriad Autosomal Dominant, Autosomal Recessive and X-Linked Classification Criteria (2023). Collection method: clinical testing. Allele origin: unknown.
Comment: NM_147127.4(EVC2):c.3545_3547delTGG(V1182del) is an in-frame deletion classified as a variant of uncertain significance in the context of EVC2-related Ellis-van Creveld syndrome. V1182del has not been observed in cases with relevant disease. Relevant functional assessments of this variant are not available in the literature. V1182del has not been observed in referenced population frequency databases. In summary, there is insufficient evidence to classify NM_147127.4(EVC2):c.3545_3547delTGG(V1182del) as pathogenic or benign. Please note: this variant was assessed in the context of healthy population screening.

NM_147127.5(EVC2):c.3545_3547del (p.Val1182del)

Gene: EVC2 (EvC ciliary complex subunit 2; minus strand). Cytogenetic location: 4p16.2.
Variant type: Deletion.
Coding change: c.3545_3547del on transcript NM_147127.5 (MANE Select); coding-DNA positions 3545 to 3547, 3 bases deleted (TGG; older notation c.3545_3547delTGG).
Protein change: p.Val1182del; deletes valine 1182.
Molecular consequence: inframe deletion.
Genome position (GRCh38, 1-based): chr4:5,568,454-5,568,456, CCA deleted on the plus strand (TGG on the coding strand, the reverse complement: EVC2 is on the minus strand); deleting any 3 consecutive bases within chr4:5,568,454-5,568,457 gives the same sequence; the c. name uses the placement nearest the transcript's 3' end. VCF-style (leftmost placement, unchanged base first): chr4-5568453-CCCA-C. GRCh37 (hg19) VCF-style: chr4-5570180-CCCA-C.
Other names: c.3305_3307del, p.Val1102del (NM_001166136.2); short protein forms V1102del, V1182del.
Identifiers: ClinVar variation 5003729 (VCV005003729.1).
Genomic context (GRCh38, chr4:5,568,453, plus strand): 5'-CCCTTGTGGACAGGGACGTGCCCCGGGAGGCAGCCCCTCCACGGCACTCACCTCCGCCTG[CCCA>C]CGTCGGCCTGCTCCGCTCCGCCATCGCTCTCAGCTGCGTGGTCCACATGTCTCTCGGTGG-3'